The following is an entry in ClinVar:

ClinVar aggregate classification (germline): Conflicting classifications of pathogenicity. Review status: criteria provided, conflicting classifications (1 of 4 stars). 8 submissions from 5 submitters: Uncertain significance (1); Benign (3); Likely benign (2). 2 of the submissions do not count toward it. Last evaluated 2025-12-26.

Conditions:
Retinitis pigmentosa (RP). Identifiers: Orphanet 791, MedGen C0035334, MeSH D012174, MONDO:0019200, OMIM 268000. Inheritance: Autosomal dominant, autosomal recessive and X linked inheritance.
Cone-rod dystrophy 12 (CORD12). Identifiers: Orphanet 1872, MedGen C2675210, MONDO:0012983, OMIM 612657.
Retinal macular dystrophy type 2 (MCDR2). Also called: Bull's eye macular dystrophy. Identifiers: Orphanet 319640, MedGen C4749334, MONDO:0011957, OMIM 608051.
Stargardt disease 4 (STGD4). Identifiers: Orphanet 827, MedGen C1863534, MONDO:0011370, OMIM 603786.

Allele frequency attached by ClinVar (database versions not stated): gnomAD exomes 0.00014 and 0.00043; ExAC 0.00071; gnomAD 0.00185 and 0.00190; TOPMed 0.00191; ESP Exome Variant Server 0.00239; 1000 Genomes Project 0.00339; 1000 Genomes Project 30x 0.00390.
gnomAD v4.1: 496 of 1,591,428 alleles (0.031%); highest among the groups gnomAD compares: African/African-American, 0.6%; 2 homozygotes.

Submissions (8):

Labcorp Genetics (formerly Invitae), Labcorp
Classification: Benign. Last evaluated: 2025-12-26. Review status: criteria provided, single submitter. Criteria: Invitae Variant Classification Sherloc (09022015). Collection method: clinical testing. Allele origin: germline.

Blueprint Genetics
Classification: Likely benign. Last evaluated: 2024-11-13. Review status: criteria provided, single submitter. Criteria: ACMG Guidelines, 2015. Collection method: clinical testing. Allele origin: germline.

Illumina Laboratory Services, Illumina
Classification: Benign for Stargardt disease 4. Last evaluated: 2018-01-12. Review status: criteria provided, single submitter. Criteria: ICSL Variant Classification Criteria 13 December 2019. Collection method: clinical testing. Allele origin: germline.
Comment: This variant was observed in the ICSL laboratory as part of a predisposition screen in an ostensibly healthy population. It had not been previously curated by ICSL or reported in the Human Gene Mutation Database (HGMD: prior to June 1st, 2018), and was therefore a candidate for classification through an automated scoring system. Utilizing variant allele frequency, disease prevalence and penetrance estimates, and inheritance mode, an automated score was calculated to assess if this variant is too frequent to cause the disease. Based on the score and internal cut-off values, a variant classified as benign is not then subjected to further curation. The score for this variant resulted in a classification of benign for this disease.

Illumina Laboratory Services, Illumina
Classification: Likely benign for Retinal macular dystrophy type 2. Last evaluated: 2018-01-12. Review status: criteria provided, single submitter. Criteria: ICSL Variant Classification Criteria 13 December 2019. Collection method: clinical testing. Allele origin: germline.
Comment: This variant was observed in the ICSL laboratory as part of a predisposition screen in an ostensibly healthy population. It had not been previously curated by ICSL or reported in the Human Gene Mutation Database (HGMD: prior to June 1st, 2018), and was therefore a candidate for classification through an automated scoring system. Utilizing variant allele frequency, disease prevalence and penetrance estimates, and inheritance mode, an automated score was calculated to assess if this variant is too frequent to cause the disease. Based on the score and internal cut-off values, a variant classified as likely benign is not then subjected to further curation. The score for this variant resulted in a classification of likely benign for this disease.

Illumina Laboratory Services, Illumina
Classification: Uncertain significance for Retinitis pigmentosa. Last evaluated: 2018-01-12. Review status: criteria provided, single submitter. Criteria: ICSL Variant Classification Criteria 13 December 2019. Collection method: clinical testing. Allele origin: germline.

Illumina Laboratory Services, Illumina
Classification: Benign for Cone-rod dystrophy 12. Last evaluated: 2018-01-12. Review status: criteria provided, single submitter. Criteria: ICSL Variant Classification Criteria 13 December 2019. Collection method: clinical testing. Allele origin: germline.
Comment: the same text as in the submission from Illumina Laboratory Services, Illumina above.

Clinical Genetics DNA and cytogenetics Diagnostics Lab, Erasmus MC, Erasmus Medical Center
Classification: Likely benign. Review status: no assertion criteria provided. Collection method: clinical testing. Allele origin: germline. Affected: yes. Study: VKGL Data-share Consensus. Not counted in ClinVar's aggregate classification.

Clinical Genetics, Academic Medical Center
Classification: Likely benign. Review status: no assertion criteria provided. Collection method: clinical testing. Allele origin: germline. Affected: yes. Study: VKGL Data-share Consensus. Not counted in ClinVar's aggregate classification.

NM_006017.3(PROM1):c.1579-6T>C

Gene: PROM1 (prominin 1; minus strand). Cytogenetic location: 4p15.32.
Variant type: single nucleotide variant.
Coding change: c.1579-6T>C on transcript NM_006017.3 (MANE Select); 6 bases into the intron before coding-DNA position 1579, T replaced by C.
Molecular consequence: intron variant.
Genome position (GRCh38, 1-based): chr4:15,998,494, A>G on the plus strand (T>C on the coding strand, the complement: PROM1 is on the minus strand). VCF-style: chr4-15998494-A-G. GRCh37 (hg19) VCF-style: chr4-16000117-A-G.
Other names: c.1552-6T>C (NM_001145848.2, NM_001145852.2, NM_001145847.2 and 4 more transcripts); c.1579-6T>C (NM_001145850.2, NM_001145849.2).
Identifiers: ClinVar variation 347988 (VCV000347988.19), dbSNP rs181261277, ClinGen allele CA2866715.